The following is an entry in ClinVar:

NM_002691.4(POLD1):c.1445T>A (p.Leu482Gln)

Gene: POLD1 (DNA polymerase delta 1, catalytic subunit; plus strand). Cytogenetic location: 19q13.33.
Variant type: single nucleotide variant.
Coding change: c.1445T>A on transcript NM_002691.4 (MANE Select); coding-DNA position 1445, T replaced by A.
Protein change: p.Leu482Gln; replaces leucine 482 with glutamine.
Molecular consequence: missense variant. On other transcripts: non-coding transcript variant (1).
Genome position (GRCh38, 1-based): chr19:50,406,468, T>A. VCF-style: chr19-50406468-T-A. GRCh37 (hg19) VCF-style: chr19-50909725-T-A.
Other names: c.1445T>A, p.Leu482Gln (NM_001256849.1, NM_001308632.1); short protein forms L482Q.
Identifiers: ClinVar variation 819238 (VCV000819238.15), dbSNP rs1601216866, ClinGen allele CA406980216.

ClinVar aggregate classification (germline): Uncertain significance. Review status: criteria provided, multiple submitters, no conflicts (2 of 4 stars). 2 submissions from 2 submitters: Uncertain significance (2). Last evaluated 2025-09-26.

Conditions:
Hereditary cancer-predisposing syndrome. Also called: Hereditary Cancer Syndrome; Hereditary neoplastic syndrome; Neoplastic Syndromes, Hereditary; Tumor predisposition. Identifiers: Orphanet 140162, MedGen C0027672, MeSH D009386, MONDO:0015356.
POLD1-related polyposis and colorectal cancer syndrome (CRCS10). Also called: Colorectal cancer, susceptibility to, 10; Colorectal cancer 10; COLORECTAL CANCER, SUSCEPTIBILITY TO, ON CHROMOSOME 19q. Identifiers: Orphanet 220460, MedGen C2675481, MONDO:0012953, OMIM 612591.

Submissions (2):

Ambry Genetics
Classification: Uncertain significance for Hereditary cancer-predisposing syndrome. Last evaluated: 2025-09-26. Review status: criteria provided, single submitter. Criteria: Ambry Variant Classification Scheme 2023. Collection method: clinical testing. Allele origin: germline.
Comment: The p.L482Q variant (also known as c.1445T>A), located in coding exon 11 of the POLD1 gene, results from a T to A substitution at nucleotide position 1445. The leucine at codon 482 is replaced by glutamine, an amino acid with dissimilar properties. This amino acid position is well conserved in available vertebrate species. In addition, this alteration is predicted to be deleterious by in silico analysis. Since supporting evidence is limited at this time, the clinical significance of this alteration remains unclear.

Labcorp Genetics (formerly Invitae), Labcorp
Classification: Uncertain significance for POLD1-related polyposis and colorectal cancer syndrome. Last evaluated: 2024-04-05. Review status: criteria provided, single submitter. Criteria: Invitae Variant Classification Sherloc (09022015). Collection method: clinical testing. Allele origin: germline.
Comment: This sequence change replaces leucine, which is neutral and non-polar, with glutamine, which is neutral and polar, at codon 482 of the POLD1 protein (p.Leu482Gln). This variant is not present in population databases (gnomAD no frequency). This variant has not been reported in the literature in individuals affected with POLD1-related conditions. ClinVar contains an entry for this variant (Variation ID: 819238). Advanced modeling of protein sequence and biophysical properties (such as structural, functional, and spatial information, amino acid conservation, physicochemical variation, residue mobility, and thermodynamic stability) performed at Invitae indicates that this missense variant is expected to disrupt POLD1 protein function with a positive predictive value of 80%. In summary, the available evidence is currently insufficient to determine the role of this variant in disease. Therefore, it has been classified as a Variant of Uncertain Significance.